The following is an entry in ClinVar:

ClinVar aggregate classification (germline): Uncertain significance. Review status: criteria provided, multiple submitters, no conflicts (2 of 4 stars). 2 submissions from 2 submitters: Uncertain significance (2). Last evaluated 2025-09-28.

Allele frequency attached by ClinVar (database versions not stated): ExAC 0.00001; gnomAD 0.00002; gnomAD exomes 0.00002 and 0.00007; TOPMed 0.00002.
gnomAD v4.1: 102 of 1,613,994 alleles (0.0063%); highest among the groups gnomAD compares: Non-Finnish European, 0.0076%; no homozygotes.

Submissions (2):

Labcorp Genetics (formerly Invitae), Labcorp
Classification: Uncertain significance. Last evaluated: 2025-09-28. Review status: criteria provided, single submitter. Criteria: Invitae Variant Classification Sherloc (09022015). Collection method: clinical testing. Allele origin: germline.
Comment: This sequence change replaces glutamic acid, which is acidic and polar, with lysine, which is basic and polar, at codon 505 of the ARHGEF1 protein (p.Glu505Lys). This variant is present in population databases (rs782778338, gnomAD 0.01%). This variant has not been reported in the literature in individuals affected with ARHGEF1-related conditions. ClinVar contains an entry for this variant (Variation ID: 1426539). An algorithm developed to predict the effect of missense changes on protein structure and function outputs the following: PolyPhen-2: "Benign". The lysine amino acid residue is found in multiple mammalian species, which suggests that this missense change does not adversely affect protein function. In summary, the available evidence is currently insufficient to determine the role of this variant in disease. Therefore, it has been classified as a Variant of Uncertain Significance.

Blueprint Genetics
Classification: Uncertain significance. Last evaluated: 2024-04-05. Review status: criteria provided, single submitter. Criteria: ACMG Guidelines, 2015. Collection method: clinical testing. Allele origin: germline.

NM_004706.4(ARHGEF1):c.1468G>A (p.Glu490Lys)

Gene: ARHGEF1 (Rho guanine nucleotide exchange factor 1; plus strand). Cytogenetic location: 19q13.2.
Variant type: single nucleotide variant.
Coding change: c.1468G>A on transcript NM_004706.4 (MANE Select); coding-DNA position 1468, G replaced by A.
Protein change: p.Glu490Lys; replaces glutamic acid 490 with lysine.
Molecular consequence: missense variant.
Genome position (GRCh38, 1-based): chr19:41,902,327, G>A. VCF-style: chr19-41902327-G-A. GRCh37 (hg19) VCF-style: chr19-42406477-G-A.
Other names: c.1369G>A, p.Glu457Lys (NM_198977.2); c.1513G>A, p.Glu505Lys (NM_199002.2); short protein forms E457K, E490K, E505K.
Identifiers: ClinVar variation 1426539 (VCV001426539.9), dbSNP rs782778338, ClinGen allele CA9466382.